The following is an entry in ClinVar:

ClinVar aggregate classification (germline): Benign (1 of 4 stars; one submission).

Conditions:
Melanoma-pancreatic cancer syndrome. Identifiers: Orphanet 404560, MedGen C1838547, MONDO:0011713, OMIM 606719. Disease mechanism: loss of function.

gnomAD v4.1: 5 of 1,584,838 alleles (0.00032%); highest among the groups gnomAD compares: African/African-American, 0.0013%; no homozygotes.

Submission:

Myriad Genetics, Inc.
Classification: Benign for Melanoma-pancreatic cancer syndrome. Last evaluated: 2025-08-18. Review status: criteria provided, single submitter. Criteria: Myriad Autosomal Dominant, Autosomal Recessive and X-Linked Classification Criteria (2023). Collection method: clinical testing. Allele origin: unknown.
Comment: This variant is considered benign. This variant is intronic and is not expected to impact mRNA splicing.

NM_000077.5(CDKN2A):c.458-63G>A

Gene: CDKN2A (cyclin dependent kinase inhibitor 2A; minus strand). Cytogenetic location: 9p21.3.
Variant type: single nucleotide variant.
Coding change: c.458-63G>A on transcript NM_000077.5 (MANE Select); 63 bases into the intron before coding-DNA position 458, G replaced by A.
Molecular consequence: intron variant.
Genome position (GRCh38, 1-based): chr9:21,968,305, C>T on the plus strand (G>A on the coding strand, the complement: CDKN2A is on the minus strand). VCF-style: chr9-21968305-C-T. GRCh37 (hg19) VCF-style: chr9-21968304-C-T.
Other names: c.305-63G>A (NM_001363763.2); c.*102-63G>A (NM_058195.4); c.*151-63G>A (NM_001195132.2); c.*381-63G>A (NM_058197.5).
Identifiers: ClinVar variation 4294172 (VCV004294172.1).
Genomic context (GRCh38, chr9:21,968,305, plus strand): 5'-GCAGAGGGCAGAAAGAAAACAGGCGTTAGAAACCTGAGGTCAAAGATGTGTGGCACATCC[C>T]GCCCTCCTCTCTTGCCGTCCCTACCGGCATTGAAATACTTATGGATAAAGTTCTCGCAAT-3'